The following is an entry in ClinVar:

NM_000245.4(MET):c.1746C>T (p.Thr582=)

Gene: MET (MET proto-oncogene, receptor tyrosine kinase; plus strand). Cytogenetic location: 7q31.2.
Variant type: single nucleotide variant.
Coding change: c.1746C>T on transcript NM_000245.4 (MANE Select); coding-DNA position 1746, C replaced by T.
Protein change: p.Thr582=; no amino-acid change (threonine 582 retained).
Molecular consequence: synonymous variant.
Genome position (GRCh38, 1-based): chr7:116,755,399, C>T. VCF-style: chr7-116755399-C-T. GRCh37 (hg19) VCF-style: chr7-116395453-C-T.
Other names: c.1746C>T, p.Thr582= (NM_001127500.3, NM_001324401.3); c.456C>T, p.Thr152= (NM_001324402.2); c.1746C>T (NM_001127500.1).
Identifiers: ClinVar variation 1533313 (VCV001533313.10), dbSNP rs2116909310, ClinGen allele CA457216215.
Genomic context (GRCh38, chr7:116,755,399, plus strand): 5'-TATGTTGTCCTTGTAGGTTTTCCCAAATAGTGCACCCCTTGAAGGAGGGACAAGGCTGAC[C>T]ATATGTGGCTGGGACTTTGGATTTCGGAGGAATAATAAATTTGATTTAAAGAAAACTAGA-3'
Protein context (NP_000236.2, residues 572-592): SAPLEGGTRL[Thr582=]ICGWDFGFRR

ClinVar aggregate classification (germline): Benign/Likely benign. Review status: criteria provided, multiple submitters, no conflicts (2 of 4 stars). 3 submissions from 3 submitters: Benign (1); Likely benign (2). Last evaluated 2025-10-19.

Conditions:
Renal cell carcinoma. Identifiers: Orphanet 217071, MedGen C0007134, MeSH D002292, MONDO:0005086, HP:0005584.
Hereditary cancer-predisposing syndrome. Also called: Hereditary Cancer Syndrome; Neoplastic Syndromes, Hereditary; Tumor predisposition; Hereditary neoplastic syndrome. Identifiers: Orphanet 140162, MedGen C0027672, MeSH D009386, MONDO:0015356.
Papillary renal cell carcinoma type 1 (RCCP1). Also called: RENAL CELL CARCINOMA, PAPILLARY, 1, SOMATIC; Renal adenocarcinoma; Renal cell carcinoma 1; Renal cell carcinoma, somatic. Identifiers: Orphanet 47044, MedGen C1336839, OMIM 605074, HP:0011797.

Submissions (3):

Labcorp Genetics (formerly Invitae), Labcorp
Classification: Likely benign for Renal cell carcinoma. Last evaluated: 2025-10-19. Review status: criteria provided, single submitter. Criteria: Invitae Variant Classification Sherloc (09022015). Collection method: clinical testing. Allele origin: germline.

Myriad Genetics, Inc.
Classification: Benign for Papillary renal cell carcinoma type 1. Last evaluated: 2024-11-08. Review status: criteria provided, single submitter. Criteria: Myriad Autosomal Dominant, Autosomal Recessive and X-Linked Classification Criteria (2023). Collection method: clinical testing. Allele origin: unknown.
Comment: This variant is considered benign. This variant is a silent/synonymous amino acid change and it is not expected to impact splicing.

Ambry Genetics
Classification: Likely benign for Hereditary cancer-predisposing syndrome. Last evaluated: 2023-03-29. Review status: criteria provided, single submitter. Criteria: Ambry Variant Classification Scheme 2023. Collection method: clinical testing. Allele origin: germline.